The following is an entry in ClinVar:

ClinVar aggregate classification (germline): Uncertain significance (1 of 4 stars; one submission).

Allele frequency attached by ClinVar (database versions not stated): gnomAD 0.00001; gnomAD exomes 0.00001; TOPMed 0.00001.
gnomAD v4.1: 13 of 1,583,980 alleles (0.00082%); highest among the groups gnomAD compares: Non-Finnish European, 0.0011%; no homozygotes.

Submission:

Greenwood Genetic Center Diagnostic Laboratories, Greenwood Genetic Center
Classification: Uncertain significance. Last evaluated: 2023-09-29. Review status: criteria provided, single submitter. Criteria: ACMG Guidelines, 2015. Collection method: clinical testing. Allele origin: germline. Affected: yes.
Comment: PM2, PP2, PP3

NM_198503.5(KCNT2):c.2182G>A (p.Ala728Thr)

Gene: KCNT2 (potassium sodium-activated channel subfamily T member 2; minus strand). Cytogenetic location: 1q31.3.
Variant type: single nucleotide variant.
Coding change: c.2182G>A on transcript NM_198503.5 (MANE Select); coding-DNA position 2182, G replaced by A.
Protein change: p.Ala728Thr; replaces alanine 728 with threonine.
Molecular consequence: missense variant. On other transcripts: non-coding transcript variant (2).
Genome position (GRCh38, 1-based): chr1:196,326,811, C>T on the plus strand (G>A on the coding strand, the complement: KCNT2 is on the minus strand). VCF-style: chr1-196326811-C-T. GRCh37 (hg19) VCF-style: chr1-196295941-C-T.
Other names: c.2182G>A, p.Ala728Thr (NM_001287819.3); c.2032G>A, p.Ala678Thr (NM_001287820.3); short protein forms A678T, A728T.
Identifiers: ClinVar variation 2626974 (VCV002626974.1), dbSNP rs1327032306, ClinGen allele CA343976751.